The following is an entry in ClinVar:

ClinVar aggregate classification (germline): Likely benign. Review status: criteria provided, multiple submitters, no conflicts (2 of 4 stars). 4 submissions from 4 submitters: Likely benign (4). Last evaluated 2026-01-05.

Conditions:
Cardiovascular phenotype. Identifiers: MedGen CN230736.
Hypertrophic cardiomyopathy. Also called: HYPERTROPHIC MYOCARDIOPATHY. Identifiers: Orphanet 217569, MedGen C0007194, MeSH D002312, MONDO:0005045, HP:0001639.
Dilated cardiomyopathy 1S (CMD1S). Identifiers: Orphanet 154, Orphanet 54260, MedGen C1834481, MONDO:0013262, OMIM 613426.
MYH7-related skeletal myopathy. Also called: Myopathy, distal, 1; Laing early-onset distal myopathy; MYOPATHY, DISTAL, EARLY-ONSET, AUTOSOMAL DOMINANT; MYOPATHY, LATE DISTAL HEREDITARY; Laing distal myopathy. Identifiers: Orphanet 59135, MedGen C4552004, MONDO:0008050, OMIM 160500.
Congenital myopathy with fiber type disproportion. Also called: Congenital fiber-type disproportion myopathy; Congenital fiber-type disproportion. Identifiers: Orphanet 2020, MedGen C0546264, MONDO:0009711. Inheritance: all.
Myopathy, myosin storage, autosomal recessive (CMYO7B). Also called: CONGENITAL MYOPATHY 7B, MYOSIN STORAGE, AUTOSOMAL RECESSIVE. Identifiers: Orphanet 636970, MedGen C1850709, MONDO:0009708, OMIM 255160.
Hypertrophic cardiomyopathy 1 (CMH1). Also called: Familial hypertrophic cardiomyopathy 1; MYH7-Related Familial Hypertrophic Cardiomyopathy. Identifiers: MedGen C3495498, MONDO:0008647, OMIM 192600.
Myosin storage myopathy (CMYO7A). Also called: MYOPATHY WITH LYSIS OF TYPE I MYOFIBRILS; MYH7-related late-onset scapuloperoneal muscular dystrophy; Congenital myopathy 7A, myosin storage, autosomal dominant; MYOPATHY, HYALINE BODY, AUTOSOMAL DOMINANT; Scapuloperoneal myopathy, MYH7-related; SCAPULOPERONEAL MUSCULAR DYSTROPHY. Identifiers: Orphanet 437572, Orphanet 636965, MedGen C1842160, MONDO:0008409, OMIM 608358.
Cardiomyopathy (CMYO). Also called: Cardiomyopathies. Identifiers: Orphanet 167848, MedGen C0878544, MONDO:0004994, HP:0001638. Inheritance: Various modes of inheritance.

Submissions (4):

Labcorp Genetics (formerly Invitae), Labcorp
Classification: Likely benign for Hypertrophic cardiomyopathy. Last evaluated: 2026-01-05. Review status: criteria provided, single submitter. Criteria: Invitae Variant Classification Sherloc (09022015). Collection method: clinical testing. Allele origin: germline.

All of Us Research Program, National Institutes of Health
Classification: Likely benign for Cardiomyopathy. Last evaluated: 2023-02-24. Review status: criteria provided, single submitter. Criteria: ACMG Guidelines, 2015. Collection method: clinical testing. Allele origin: germline. Inheritance: Autosomal dominant inheritance. Observed: 1 variant allele, 1 heterozygote.
Comment: This study involves interpretation of variants in research participants for the purpose of population health screening. Participant phenotype was not available at the time of variant classification. Additional details can be found in publication PMID: 35346344, PMCID: PMC8962531

Ambry Genetics
Classification: Likely benign for Cardiovascular phenotype. Last evaluated: 2022-01-24. Review status: criteria provided, single submitter. Criteria: Ambry Variant Classification Scheme 2023. Collection method: clinical testing. Allele origin: germline.

Fulgent Genetics
Classification: Likely benign for MYH7-related skeletal myopathy; Myosin storage myopathy; Hypertrophic cardiomyopathy 1; Myopathy, myosin storage, autosomal recessive; Congenital myopathy 4A, autosomal dominant; Dilated cardiomyopathy 1S. Last evaluated: 2021-12-03. Review status: criteria provided, single submitter. Criteria: ACMG Guidelines, 2015. Collection method: clinical testing. Allele origin: unknown.

NM_000257.4(MYH7):c.3237G>C (p.Arg1079=)

Gene: MYH7 (myosin heavy chain 7; minus strand). Cytogenetic location: 14q11.2.
Variant type: single nucleotide variant.
Coding change: c.3237G>C on transcript NM_000257.4 (MANE Select); coding-DNA position 3237, G replaced by C.
Protein change: p.Arg1079=; no amino-acid change (arginine 1079 retained).
Molecular consequence: synonymous variant.
Genome position (GRCh38, 1-based): chr14:23,422,188, C>G on the plus strand (G>C on the coding strand, the complement: MYH7 is on the minus strand). VCF-style: chr14-23422188-C-G. GRCh37 (hg19) VCF-style: chr14-23891397-C-G.
Identifiers: ClinVar variation 1091696 (VCV001091696.13), dbSNP rs1272236852, ClinGen allele CA485621748.
Genomic context (GRCh38, chr14:23,422,188, plus strand): 5'-GTACTGTTATGGGCTGGGGAGGAGGAAGGGCAGCAGGGAGGGGACACAGTACTTTTTCAG[C>G]CGCTCATCCAGCTGCTGCTTGTCATTCTCCAGGTCCATGATGCTCTCCTGGGTCAGCTTC-3'
Protein context (NP_000248.2, residues 1069-1089): LENDKQQLDE[Arg1079=]LKKKDFELNA